The following is an entry in ClinVar:

NM_001385026.1(PEAK1):c.3687C>T (p.Pro1229=)

Gene: PEAK1 (pseudopodium enriched atypical kinase 1; minus strand). Cytogenetic location: 15q24.3.
Variant type: single nucleotide variant.
Coding change: c.3687C>T on transcript NM_001385026.1 (MANE Select); coding-DNA position 3687, C replaced by T.
Protein change: p.Pro1229=; no amino-acid change (proline 1229 retained).
Molecular consequence: synonymous variant.
Genome position (GRCh38, 1-based): chr15:77,133,395, G>A on the plus strand (C>T on the coding strand, the complement: PEAK1 is on the minus strand). VCF-style: chr15-77133395-G-A. GRCh37 (hg19) VCF-style: chr15-77425737-G-A.
Other names: c.3687C>T, p.Pro1229= (NM_001387085.1, NM_001387086.1, NM_024776.5).
Identifiers: ClinVar variation 3043997 (VCV003043997.2), dbSNP rs542555904, ClinGen allele CA7676728.

ClinVar aggregate classification (germline): Likely benign (0 of 4 stars; one submission).

Conditions:
PEAK1-related disorder. Also called: PEAK1-related condition.

Allele frequency attached by ClinVar (database versions not stated): TOPMed 0.00001; gnomAD 0.00008; gnomAD exomes 0.00010; ExAC 0.00024; 1000 Genomes Project 30x 0.00062; 1000 Genomes Project 0.00080.
gnomAD v4.1: 163 of 1,614,224 alleles (0.01%); highest among the groups gnomAD compares: South Asian, 0.17%; no homozygotes.

Submission:

PreventionGenetics, part of Exact Sciences
Classification: Likely benign for PEAK1-related condition. Last evaluated: 2019-07-01. Review status: no assertion criteria provided. Collection method: clinical testing. Allele origin: germline.
Comment: This variant is classified as likely benign based on ACMG/AMP sequence variant interpretation guidelines (Richards et al. 2015 PMID: 25741868, with internal and published modifications).